The following is an entry in ClinVar:

NM_020975.6(RET):c.318G>A (p.Trp106Ter)

Gene: RET (ret proto-oncogene; plus strand). Cytogenetic location: 10q11.21.
Variant type: single nucleotide variant.
Coding change: c.318G>A on transcript NM_020975.6 (MANE Select); coding-DNA position 318, G replaced by A.
Protein change: p.Trp106Ter; replaces tryptophan 106 with a stop codon.
Molecular consequence: nonsense.
Genome position (GRCh38, 1-based): chr10:43,100,703, G>A. VCF-style: chr10-43100703-G-A. GRCh37 (hg19) VCF-style: chr10-43596151-G-A.
Other names: c.318G>A, p.Trp106Ter (NM_000323.2, NM_001406743.1, NM_001406744.1 and 34 more transcripts); short protein forms W106*.
Identifiers: ClinVar variation 1069637 (VCV001069637.8), dbSNP rs2132664999, ClinGen allele CA376770562.

ClinVar aggregate classification (germline): Pathogenic (1 of 4 stars; one submission).

Conditions:
Multiple endocrine neoplasia, type 2 (MEN2). Identifiers: Orphanet 653, MedGen C4048306, MONDO:0019003. Disease mechanism: gain of function.

Submission:

Labcorp Genetics (formerly Invitae), Labcorp
Classification: Pathogenic for Multiple endocrine neoplasia, type 2. Last evaluated: 2021-10-13. Review status: criteria provided, single submitter. Criteria: Invitae Variant Classification Sherloc (09022015). Collection method: clinical testing. Allele origin: germline.
Comment: This premature translational stop signal has been observed in individual(s) with Hirschsprung disease (Invitae). For these reasons, this variant has been classified as Pathogenic. This variant is not present in population databases (ExAC no frequency). This sequence change creates a premature translational stop signal (p.Trp106*) in the RET gene. It is expected to result in an absent or disrupted protein product. Loss-of-function variants in RET are known to be pathogenic (PMID: 22174939, 22648184).

Literature cited by the submitters: PubMed 22174939; PubMed 22648184.